The following is an entry in ClinVar:

NM_001903.5(CTNNA1):c.2192G>A (p.Arg731Gln)

Gene: CTNNA1 (catenin alpha 1; plus strand). Cytogenetic location: 5q31.2.
Variant type: single nucleotide variant.
Coding change: c.2192G>A on transcript NM_001903.5 (MANE Select); coding-DNA position 2192, G replaced by A.
Protein change: p.Arg731Gln; replaces arginine 731 with glutamine.
Molecular consequence: missense variant.
Genome position (GRCh38, 1-based): chr5:138,930,654, G>A. VCF-style: chr5-138930654-G-A. GRCh37 (hg19) VCF-style: chr5-138266343-G-A.
Other names: c.2192G>A, p.Arg731Gln (NM_001290307.3, NM_001323982.2, NM_001323983.1 and 2 more transcripts); c.1883G>A, p.Arg628Gln (NM_001290309.3); c.1823G>A, p.Arg608Gln (NM_001290310.3); c.1082G>A, p.Arg361Gln (NM_001323991.1, NM_001323992.1, NM_001323993.1 and 17 more transcripts); c.743G>A, p.Arg248Gln (NM_001324010.1, NM_001324006.1, NM_001324007.1 and 2 more transcripts); c.989G>A, p.Arg330Gln (NM_001324011.1); c.839G>A, p.Arg280Gln (NM_001324012.1, NM_001324013.1); c.2192G>A (NM_001903.2); and 1 more; short protein forms R361Q, R628Q, R700Q, R731Q, R248Q, R280Q, R330Q, R608Q.
Identifiers: ClinVar variation 1387456 (VCV001387456.8), dbSNP rs1294176302, ClinGen allele CA361133731.

ClinVar aggregate classification (germline): Uncertain significance. Review status: criteria provided, multiple submitters, no conflicts (2 of 4 stars). 2 submissions from 2 submitters: Uncertain significance (2). Last evaluated 2025-12-29.

Conditions:
Hereditary cancer-predisposing syndrome. Also called: Tumor predisposition; Hereditary Cancer Syndrome; Hereditary neoplastic syndrome; Neoplastic Syndromes, Hereditary. Identifiers: Orphanet 140162, MedGen C0027672, MeSH D009386, MONDO:0015356.

Allele frequency attached by ClinVar (database versions not stated): TOPMed below 0.00001.
gnomAD v4.1: 1 of 1,610,854 alleles (0.000062%); highest among the groups gnomAD compares: Non-Finnish European, 0.000085%; no homozygotes.

Submissions (5):

Ambry Genetics
Classification: Uncertain significance for Hereditary cancer-predisposing syndrome. Last evaluated: 2025-12-29. Review status: criteria provided, single submitter. Criteria: Ambry Variant Classification Scheme 2023. Collection method: clinical testing. Allele origin: germline.
Comment: The c.2192G>A variant (also known as p.R731Q), located in coding exon 14 of the CTNNA1 gene, results from a G to A substitution at nucleotide position 2192. The amino acid change results in arginine to glutamine at codon 731, an amino acid with highly similar properties. However, this change occurs in the last base pair of coding exon 14 and may have some effect on normal mRNA splicing. This nucleotide position is highly conserved in available vertebrate species. In silico splice site analysis predicts that this alteration will not have any significant effect on splicing. This amino acid position is highly conserved in available vertebrate species. In addition, as a missense substitution this is predicted to be deleterious by in silico analysis. Based on the available evidence, the clinical significance of this variant remains unclear.

Labcorp Genetics (formerly Invitae), Labcorp
Classification: Uncertain significance. Last evaluated: 2023-11-27. Review status: criteria provided, single submitter. Criteria: Invitae Variant Classification Sherloc (09022015). Collection method: clinical testing. Allele origin: germline.
Comment: This sequence change replaces arginine, which is basic and polar, with glutamine, which is neutral and polar, at codon 731 of the CTNNA1 protein (p.Arg731Gln). This variant also falls at the last nucleotide of exon 15, which is part of the consensus splice site for this exon. This variant is not present in population databases (gnomAD no frequency). This variant has not been reported in the literature in individuals affected with CTNNA1-related conditions. ClinVar contains an entry for this variant (Variation ID: 1387456). An algorithm developed to predict the effect of missense changes on protein structure and function (PolyPhen-2) suggests that this variant is likely to be disruptive. Variants that disrupt the consensus splice site are a relatively common cause of aberrant splicing (PMID: 17576681, 9536098). RNA analysis performed to evaluate the impact of this missense change on mRNA splicing indicates it does not significantly alter splicing (Invitae). In summary, the available evidence is currently insufficient to determine the role of this variant in disease. Therefore, it has been classified as a Variant of Uncertain Significance.

Dr. Peter K. Rogan Lab, Western University
No classification provided (evidence only). Condition: Squamous cell carcinoma of the head and neck. Review status: no classification provided. Collection method: in vitro. Allele origin: not applicable. Functional consequence: retained intron. Not counted in ClinVar's aggregate classification.

Dr. Peter K. Rogan Lab, Western University
No classification provided (evidence only). Condition: Gastric cancer. Review status: no classification provided. Collection method: in vitro. Allele origin: not applicable. Functional consequence: retained intron. Not counted in ClinVar's aggregate classification.

Dr. Peter K. Rogan Lab, Western University
No classification provided (evidence only). Condition: Malignant tumor of esophagus. Review status: no classification provided. Collection method: in vitro. Allele origin: not applicable. Functional consequence: skipped exon, retained intron. Not counted in ClinVar's aggregate classification.

Literature cited by the submitters: PubMed 17576681 (cited by Labcorp Genetics (formerly Invitae), Labcorp); PubMed 9536098 (cited by Labcorp Genetics (formerly Invitae), Labcorp).